The following is an entry in ClinVar:

NM_003412.4(ZIC1):c.410C>T (p.Ala137Val)

Gene: ZIC1 (Zic family member 1; plus strand). Cytogenetic location: 3q24.
Variant type: single nucleotide variant.
Coding change: c.410C>T on transcript NM_003412.4 (MANE Select); coding-DNA position 410, C replaced by T.
Protein change: p.Ala137Val; replaces alanine 137 with valine.
Molecular consequence: missense variant.
Genome position (GRCh38, 1-based): chr3:147,410,522, C>T. VCF-style: chr3-147410522-C-T. GRCh37 (hg19) VCF-style: chr3-147128309-C-T.
Other names: short protein forms A137V.
Identifiers: ClinVar variation 3341394 (VCV003341394.1).

ClinVar aggregate classification (germline): Uncertain significance (1 of 4 stars; one submission).

Conditions:
Structural brain anomalies with impaired intellectual development and craniosynostosis. Identifiers: MedGen C5231485, MONDO:0032892, OMIM 618736.

Submission:

Neuberg Centre For Genomic Medicine, NCGM
Classification: Uncertain significance for Structural brain anomalies with impaired intellectual development and craniosynostosis. Last evaluated: 2023-05-20. Review status: criteria provided, single submitter. Criteria: ACMG Guidelines, 2015. Collection method: clinical testing. Allele origin: germline. Inheritance: Autosomal dominant inheritance. Affected: yes.
Comment: The observed missense variant c.410C>T (p.Ala137Val) in ZIC1 gene has not been reported previously as a pathogenic variant nor as a benign variant, to our knowledge. The p.Ala137Val variant is absent in gnomAD Exomes database. This variant has not been submitted to the ClinVar database. Computational evidence (SIFT - tolerated; Polyphen - benign; MutationTaster - disease causing) predict conflicting effect on protein structure and function for this variant. The amino acid change p.Ala137Val in ZIC1 is predicted as conserved by GERP++ and PhyloP across 100 vertebrates. The amino acid Ala at position 137 is changed to a Val changing protein sequence and it might alter its composition and physico-chemical properties. For these reasons, this variant has been classified as a Variant of Uncertain Significance (VUS).